The following continues an entry in ClinVar:

NM_000059.4(BRCA2):c.7420GAA[2] (p.Glu2476del)

Gene: BRCA2. ClinVar aggregate classification (germline): Conflicting classifications of pathogenicity. Uncertain significance (12); Likely benign (2).

Submissions 9 to 14 of 14:

Quest Diagnostics Nichols Institute San Juan Capistrano
Classification: Uncertain significance. Last evaluated: 2024-01-09. Review status: criteria provided, single submitter. Criteria: Quest Diagnostics criteria. Collection method: clinical testing. Allele origin: unknown.
Comment: The BRCA2 c.7426_7428del (p.Glu2476del) variant has been reported in the published literature in affected individuals with breast cancer (PMIDs: 27463008 (2016), 28947987 (2017), 35264596 (2022), and 35534704 (2022)). The frequency of this variant in the general population, 0.0000071 (2/282382 chromosomes (Genome Aggregation Database)), is uninformative in the assessment of its pathogenicity. Based on the available information, we are unable to determine the clinical significance of this variant.

Myriad Genetics, Inc.
Classification: Likely benign for Breast-ovarian cancer, familial, susceptibility to, 2. Last evaluated: 2023-11-06. Review status: criteria provided, single submitter. Criteria: Myriad Autosomal Dominant, Autosomal Recessive and X-Linked Classification Criteria (2023). Collection method: clinical testing. Allele origin: unknown.
Comment: This variant is considered likely benign. This variant is strongly associated with less severe personal and family histories of cancer, typical for individuals without pathogenic variants in this gene [PMID: 25085752].

Department of Pathology and Laboratory Medicine, Sinai Health System
Classification: Uncertain significance for Familial cancer of breast; Breast-ovarian cancer, familial, susceptibility to, 2. Last evaluated: 2022-11-07. Review status: criteria provided, single submitter. Criteria: ACMG Guidelines, 2015. Collection method: clinical testing. Allele origin: germline. Affected: yes.

Fulgent Genetics
Classification: Uncertain significance for Familial cancer of breast; Medulloblastoma; Familial prostate cancer; Wilms tumor 1; Fanconi anemia complementation group D1; Breast-ovarian cancer, familial, susceptibility to, 2; Glioma susceptibility 3; Pancreatic cancer, susceptibility to, 2. Last evaluated: 2021-07-20. Review status: criteria provided, single submitter. Criteria: ACMG Guidelines, 2015. Collection method: clinical testing. Allele origin: unknown.

St. Jude Molecular Pathology, St. Jude Children's Research Hospital
Classification: Uncertain significance for Hereditary breast ovarian cancer syndrome. Last evaluated: 2021-04-15. Review status: criteria provided, single submitter. Criteria: St. Jude Assertion Criteria 2020. Collection method: clinical testing. Allele origin: germline.
Comment: The BRCA2 c.7426_7428del (p.Glu2476del) change has a maximum subpopulation frequency of 0.004% in gnomAD v2.1.1 (PM2_Supporting). It is absent in a database of women older than 70 years of age who have never had cancer. The change results in the deletion of a single glutamic acid residue in the FANCD2 binding domain (PM4). This variant has been reported in an individual with early-onset breast cancer (PMID: 28947987). To our knowledge, functional studies have not been performed for this variant. In summary, this variant meets criteria to be classified as of uncertain significance based on the ACMG/AMP criteria: PM2_Supporting, PM4.

Mendelics
Classification: Uncertain significance for Hereditary breast and ovarian cancer syndrome. Last evaluated: 2018-07-02. Review status: criteria provided, single submitter. Criteria: Mendelics Assertion Criteria 2017. Collection method: clinical testing. Allele origin: unknown.

Literature cited by the submitters: PubMed 28947987 (cited by 4 submitters); PubMed 35264596 (cited by 3 submitters); PubMed 27463008 (cited by Labcorp Genetics (formerly Invitae), Labcorp); PubMed 35534704 (cited by Labcorp Genetics (formerly Invitae), Labcorp and Women's Health and Genetics/Laboratory Corporation of America, LabCorp); PubMed 25479140 (cited by Women's Health and Genetics/Laboratory Corporation of America, LabCorp and Color Diagnostics, LLC DBA Color Health); PubMed 25085752 (cited by Myriad Genetics, Inc.); PubMed 24763008 (cited by Department of Pathology and Laboratory Medicine, Sinai Health System).